The following is an entry in ClinVar:

ClinVar aggregate classification (germline): Pathogenic (1 of 4 stars; one submission).

Conditions:
Cystinuria (CSNU). Also called: Cystinuria, non-type I; CYSTINURIA, TYPE I; CYSTINURIA, TYPE II; CYSTINURIA, TYPE III. Identifiers: Orphanet 214, MedGen C0010691, MONDO:0009067, OMIM 220100, HP:0003131.

gnomAD v4.1: 5 of 1,613,698 alleles (0.00031%); highest among the groups gnomAD compares: South Asian, 0.0011%; no homozygotes.

Submission:

Labcorp Genetics (formerly Invitae), Labcorp
Classification: Pathogenic for Cystinuria. Last evaluated: 2023-07-28. Review status: criteria provided, single submitter. Criteria: Invitae Variant Classification Sherloc (09022015). Collection method: clinical testing. Allele origin: germline.
Comment: For these reasons, this variant has been classified as Pathogenic. This variant disrupts a region of the SLC3A1 protein in which other variant(s) (p.Arg671*) have been determined to be pathogenic (PMID: 32133030). This suggests that this is a clinically significant region of the protein, and that variants that disrupt it are likely to be disease-causing. Algorithms developed to predict the effect of sequence changes on RNA splicing suggest that this variant may disrupt the consensus splice site. This variant has not been reported in the literature in individuals affected with SLC3A1-related conditions. This variant is not present in population databases (gnomAD no frequency). This sequence change creates a premature translational stop signal (p.Ser547*) in the SLC3A1 gene. While this is not anticipated to result in nonsense mediated decay, it is expected to disrupt the last 139 amino acid(s) of the SLC3A1 protein.

Literature cited by the submitters: PubMed 32133030.

NM_000341.4(SLC3A1):c.1640C>A (p.Ser547Ter)

Genes: PREPL (prolyl endopeptidase like; minus strand), SLC3A1 (solute carrier family 3 member 1; plus strand). Cytogenetic location: 2p21.
Variant type: single nucleotide variant.
Coding change: c.1640C>A on transcript NM_000341.4 (MANE Select); coding-DNA position 1640, C replaced by A.
Protein change: p.Ser547Ter; replaces serine 547 with a stop codon.
Molecular consequence: nonsense. On other transcripts: 3 prime UTR variant (10).
Genome position (GRCh38, 1-based): chr2:44,320,221, C>A. VCF-style: chr2-44320221-C-A. GRCh37 (hg19) VCF-style: chr2-44547360-C-A.
Other names: c.*1135G>T (NM_001042385.2, NM_001042386.2, NM_001171603.1 and 7 more transcripts); short protein forms S547*.
Identifiers: ClinVar variation 2734176 (VCV002734176.3), dbSNP rs368796166, ClinGen allele CA346686735.